The following is an entry in ClinVar:

ClinVar aggregate classification (germline): Uncertain significance (1 of 4 stars; one submission).

Conditions:
Hereditary cancer-predisposing syndrome. Also called: Neoplastic Syndromes, Hereditary; Tumor predisposition; Hereditary Cancer Syndrome; Hereditary neoplastic syndrome. Identifiers: Orphanet 140162, MedGen C0027672, MeSH D009386, MONDO:0015356.

Submission:

Ambry Genetics
Classification: Uncertain significance for Hereditary cancer-predisposing syndrome. Last evaluated: 2025-10-15. Review status: criteria provided, single submitter. Criteria: Ambry Variant Classification Scheme 2023. Collection method: clinical testing. Allele origin: germline.
Comment: The p.N1181Y variant (also known as c.3541A>T), located in coding exon 20 of the DICER1 gene, results from an A to T substitution at nucleotide position 3541. The asparagine at codon 1181 is replaced by tyrosine, an amino acid with dissimilar properties. This amino acid position is conserved. In addition, the in silico prediction for this alteration is inconclusive. Based on the available evidence, the clinical significance of this variant remains unclear.

NM_177438.3(DICER1):c.3541A>T (p.Asn1181Tyr)

Gene: DICER1 (dicer 1, ribonuclease III; minus strand). Cytogenetic location: 14q32.13.
Variant type: single nucleotide variant.
Coding change: c.3541A>T on transcript NM_177438.3 (MANE Select); coding-DNA position 3541, A replaced by T.
Protein change: p.Asn1181Tyr; replaces asparagine 1181 with tyrosine.
Molecular consequence: missense variant. On other transcripts: non-coding transcript variant (6).
Genome position (GRCh38, 1-based): chr14:95,103,855, T>A on the plus strand (A>T on the coding strand, the complement: DICER1 is on the minus strand). VCF-style: chr14-95103855-T-A. GRCh37 (hg19) VCF-style: chr14-95570192-T-A.
Other names: c.3541A>T, p.Asn1181Tyr (NM_001195573.1, NM_001271282.3, NM_001291628.2 and 12 more transcripts); c.3259A>T, p.Asn1087Tyr (NM_001395686.1); c.3136A>T, p.Asn1046Tyr (NM_001395687.1, NM_001395688.1, NM_001395689.1 and 2 more transcripts); c.2974A>T, p.Asn992Tyr (NM_001395691.1); c.1858A>T, p.Asn620Tyr (NM_001395697.1); short protein forms N1181Y, N620Y, N992Y, N1087Y, N1046Y.
Identifiers: ClinVar variation 4637175 (VCV004637175.1).